The following is an entry in ClinVar:

NM_004385.5(VCAN):c.2699C>G (p.Ser900Cys)

Gene: VCAN (versican; plus strand). Cytogenetic location: 5q14.3.
Variant type: single nucleotide variant.
Coding change: c.2699C>G on transcript NM_004385.5 (MANE Select); coding-DNA position 2699, C replaced by G.
Protein change: p.Ser900Cys; replaces serine 900 with cysteine.
Molecular consequence: missense variant. On other transcripts: intron variant (2).
Genome position (GRCh38, 1-based): chr5:83,521,005, C>G. VCF-style: chr5-83521005-C-G. GRCh37 (hg19) VCF-style: chr5-82816824-C-G.
Other names: c.2699C>G (NM_004385.4); c.2699C>G, p.Ser900Cys (NM_001164098.2); c.1042+8609C>G (NM_001164097.2, NM_001126336.3); short protein forms S900C.
Identifiers: ClinVar variation 3017880 (VCV003017880.4), dbSNP rs2479053806, ClinGen allele CA360304501.

ClinVar aggregate classification (germline): Uncertain significance. Review status: criteria provided, multiple submitters, no conflicts (2 of 4 stars). 2 submissions from 2 submitters: Uncertain significance (2). Last evaluated 2024-06-16.

Conditions:
Inborn genetic diseases. Identifiers: MedGen C0950123, MeSH D030342.

Submissions (2):

Ambry Genetics
Classification: Uncertain significance for Inborn genetic diseases. Last evaluated: 2024-06-16. Review status: criteria provided, single submitter. Criteria: Ambry Variant Classification Scheme 2023. Collection method: clinical testing. Allele origin: germline.

Labcorp Genetics (formerly Invitae), Labcorp
Classification: Uncertain significance. Last evaluated: 2023-03-01. Review status: criteria provided, single submitter. Criteria: Invitae Variant Classification Sherloc (09022015). Collection method: clinical testing. Allele origin: germline.
Comment: In summary, the available evidence is currently insufficient to determine the role of this variant in disease. Therefore, it has been classified as a Variant of Uncertain Significance. An algorithm developed to predict the effect of missense changes on protein structure and function (PolyPhen-2) suggests that this variant is likely to be disruptive. This variant has not been reported in the literature in individuals affected with VCAN-related conditions. This variant is not present in population databases (gnomAD no frequency). This sequence change replaces serine, which is neutral and polar, with cysteine, which is neutral and slightly polar, at codon 900 of the VCAN protein (p.Ser900Cys).